The following is an entry in ClinVar:

NM_000168.6(GLI3):c.3078C>G (p.Ser1026Arg)

Gene: GLI3 (GLI family zinc finger 3; minus strand). Cytogenetic location: 7p14.1.
Variant type: single nucleotide variant.
Coding change: c.3078C>G on transcript NM_000168.6 (MANE Select); coding-DNA position 3078, C replaced by G.
Protein change: p.Ser1026Arg; replaces serine 1026 with arginine.
Molecular consequence: missense variant.
Genome position (GRCh38, 1-based): chr7:41,965,995, G>C on the plus strand (C>G on the coding strand, the complement: GLI3 is on the minus strand). VCF-style: chr7-41965995-G-C. GRCh37 (hg19) VCF-style: chr7-42005593-G-C.
Other names: short protein forms S1026R.
Identifiers: ClinVar variation 1020783 (VCV001020783.8), dbSNP rs1436522227, ClinGen allele CA367319199.
Genomic context (GRCh38, chr7:41,965,995, plus strand): 5'-AAGCACGAGACTGCGCTTCTCCGCGGACGTGGCCATCGCCGGGGGGTTGCAGCTGCTGAG[G>C]CTGCTGAAGCGCGGCACACGAGGCAGGGCCAGGCCCTCGGAGCCTGTCCGCACCGGGTCG-3'
Protein context (NP_000159.3, residues 1016-1036): LALPRVPRFS[Ser1026Arg]LSSCNPPAMA

ClinVar aggregate classification (germline): Uncertain significance (1 of 4 stars; one submission).

Conditions:
Pallister-Hall syndrome (PHS). Also called: HYPOTHALAMIC HAMARTOBLASTOMA, HYPOPITUITARISM, IMPERFORATE ANUS, AND POSTAXIAL POLYDACTYLY; GLI3-Related Pallister-Hall Syndrome. Identifiers: Orphanet 672, MedGen C0265220, MONDO:0007804, OMIM 146510.
Greig cephalopolysyndactyly syndrome (GCPS). Also called: GLI3-Related Greig Cephalopolysyndactyly Syndrome; POLYSYNDACTYLY WITH PECULIAR SKULL SHAPE; Greig syndrome. Identifiers: Orphanet 380, MedGen C0265306, MONDO:0008287, OMIM 175700.

Submission:

Labcorp Genetics (formerly Invitae), Labcorp
Classification: Uncertain significance for Pallister-Hall syndrome; Greig cephalopolysyndactyly syndrome. Last evaluated: 2020-10-19. Review status: criteria provided, single submitter. Criteria: Invitae Variant Classification Sherloc (09022015). Collection method: clinical testing. Allele origin: germline.
Comment: This sequence change replaces serine with arginine at codon 1026 of the GLI3 protein (p.Ser1026Arg). The serine residue is highly conserved and there is a moderate physicochemical difference between serine and arginine. This variant is not present in population databases (ExAC no frequency). This variant has not been reported in the literature in individuals with GLI3-related conditions. Algorithms developed to predict the effect of missense changes on protein structure and function (SIFT, PolyPhen-2, Align-GVGD) all suggest that this variant is likely to be disruptive, but these predictions have not been confirmed by published functional studies and their clinical significance is uncertain. In summary, the available evidence is currently insufficient to determine the role of this variant in disease. Therefore, it has been classified as a Variant of Uncertain Significance.